The following is an entry in ClinVar:

ClinVar aggregate classification (germline): Uncertain significance. Review status: criteria provided, multiple submitters, no conflicts (2 of 4 stars). 2 submissions from 2 submitters: Uncertain significance (2). Last evaluated 2025-07-30.

Conditions:
Hereditary cancer-predisposing syndrome. Also called: Neoplastic Syndromes, Hereditary; Hereditary Cancer Syndrome; Tumor predisposition; Hereditary neoplastic syndrome. Identifiers: Orphanet 140162, MedGen C0027672, MeSH D009386, MONDO:0015356.
Multiple endocrine neoplasia, type 2 (MEN2). Identifiers: Orphanet 653, MedGen C4048306, MONDO:0019003. Disease mechanism: gain of function.

Submissions (2):

Labcorp Genetics (formerly Invitae), Labcorp
Classification: Uncertain significance for Multiple endocrine neoplasia, type 2. Last evaluated: 2025-07-30. Review status: criteria provided, single submitter. Criteria: Invitae Variant Classification Sherloc (09022015). Collection method: clinical testing. Allele origin: germline.
Comment: This sequence change replaces glycine, which is neutral and non-polar, with serine, which is neutral and polar, at codon 532 of the RET protein (p.Gly532Ser). This variant is not present in population databases (gnomAD no frequency). This variant has not been reported in the literature in individuals affected with RET-related conditions. ClinVar contains an entry for this variant (Variation ID: 1039688). An algorithm developed to predict the effect of missense changes on protein structure and function outputs the following: PolyPhen-2: "Possibly Damaging". The serine amino acid residue is found in multiple mammalian species, which suggests that this missense change does not adversely affect protein function. In summary, the available evidence is currently insufficient to determine the role of this variant in disease. Therefore, it has been classified as a Variant of Uncertain Significance.

Ambry Genetics
Classification: Uncertain significance for Hereditary cancer-predisposing syndrome. Last evaluated: 2025-07-28. Review status: criteria provided, single submitter. Criteria: Ambry Variant Classification Scheme 2023. Collection method: clinical testing. Allele origin: germline.
Comment: The p.G532S variant (also known as c.1594G>A), located in coding exon 8 of the RET gene, results from a G to A substitution at nucleotide position 1594. The glycine at codon 532 is replaced by serine, an amino acid with similar properties. This amino acid position is conserved. In addition, the in silico prediction for this alteration is inconclusive. Based on the available evidence, the clinical significance of this variant remains unclear.

NM_020975.6(RET):c.1594G>A (p.Gly532Ser)

Gene: RET (ret proto-oncogene; plus strand). Cytogenetic location: 10q11.21.
Variant type: single nucleotide variant.
Coding change: c.1594G>A on transcript NM_020975.6 (MANE Select); coding-DNA position 1594, G replaced by A.
Protein change: p.Gly532Ser; replaces glycine 532 with serine.
Molecular consequence: missense variant.
Genome position (GRCh38, 1-based): chr10:43,112,170, G>A. VCF-style: chr10-43112170-G-A. GRCh37 (hg19) VCF-style: chr10-43607618-G-A.
Other names: c.1594G>A, p.Gly532Ser (NM_000323.2, NM_001406743.1, NM_001406744.1 and 6 more transcripts); c.832G>A, p.Gly278Ser (NM_001355216.2); c.1465G>A, p.Gly489Ser (NM_001406761.1, NM_001406762.1, NM_001406764.1 and 1 more transcripts); c.1306G>A, p.Gly436Ser (NM_001406766.1, NM_001406767.1, NM_001406770.1); c.1198G>A, p.Gly400Ser (NM_001406769.1, NM_001406772.1); c.1156G>A, p.Gly386Ser (NM_001406771.1, NM_001406773.1); c.1069G>A, p.Gly357Ser (NM_001406774.1); c.868G>A, p.Gly290Ser (NM_001406775.1, NM_001406776.1, NM_001406777.1 and 1 more transcripts); and 5 more; short protein forms G278S, G532S, G190S, G436S, G202S, G357S, G386S, G489S.
Identifiers: ClinVar variation 1039688 (VCV001039688.10), dbSNP rs1837952811, ClinGen allele CA376550579.